The following is an entry in ClinVar:

NM_006099.3(PIAS3):c.105C>T (p.His35=)

Gene: PIAS3 (protein inhibitor of activated STAT 3; minus strand). Cytogenetic location: 1q21.1.
Variant type: single nucleotide variant.
Coding change: c.105C>T on transcript NM_006099.3 (MANE Select); coding-DNA position 105, C replaced by T.
Protein change: p.His35=; no amino-acid change (histidine 35 retained).
Molecular consequence: synonymous variant.
Genome position (GRCh38, 1-based): chr1:145,856,926, G>A on the plus strand (C>T on the coding strand, the complement: PIAS3 is on the minus strand). VCF-style: chr1-145856926-G-A. GRCh37 (hg19) VCF-style: chr1-145578142-C-T.
Identifiers: ClinVar variation 2639112 (VCV002639112.24), dbSNP rs143409313, ClinGen allele CA1057718.

ClinVar aggregate classification (germline): Likely benign (1 of 4 stars; one submission).

Allele frequency attached by ClinVar (database versions not stated): TOPMed 0.00126; gnomAD 0.00164; ESP Exome Variant Server 0.00185; 1000 Genomes Project 0.00060; 1000 Genomes Project 30x 0.00062; ExAC 0.00118; gnomAD exomes 0.00186.
gnomAD v4.1: 2,944 of 1,614,142 alleles (0.18%); highest among the groups gnomAD compares: Non-Finnish European, 0.23%; 4 homozygotes.

Submission:

CeGaT Center for Human Genetics Tuebingen
Classification: Likely benign. Last evaluated: 2022-07-01. Review status: criteria provided, single submitter. Criteria: CeGaT Center For Human Genetics Tuebingen Variant Classification Criteria Version 2. Collection method: clinical testing. Allele origin: germline. Affected: yes. Observed: 1 variant allele.
Comment: PIAS3: BP4, BP7